The following is an entry in ClinVar:

NM_015141.4(GPD1L):c.344C>T (p.Ala115Val)

Gene: GPD1L (glycerol-3-phosphate dehydrogenase 1 like; plus strand). Cytogenetic location: 3p22.3.
Variant type: single nucleotide variant.
Coding change: c.344C>T on transcript NM_015141.4 (MANE Select); coding-DNA position 344, C replaced by T.
Protein change: p.Ala115Val; replaces alanine 115 with valine.
Molecular consequence: missense variant.
Genome position (GRCh38, 1-based): chr3:32,138,705, C>T. VCF-style: chr3-32138705-C-T. GRCh37 (hg19) VCF-style: chr3-32180197-C-T.
Other names: short protein forms A115V.
Identifiers: ClinVar variation 1005323 (VCV001005323.7), dbSNP rs765497074, ClinGen allele CA2296606.

ClinVar aggregate classification (germline): Conflicting classifications of pathogenicity. Review status: criteria provided, conflicting classifications (1 of 4 stars). 3 submissions from 3 submitters: Uncertain significance (2); Likely benign (1). Last evaluated 2024-11-18.

Conditions:
Brugada syndrome. Also called: Sudden unexplained nocturnal death syndrome; Sudden Unexplained Death Syndrome; Sudden Unexplained Nocturnal Death Syndrome (SUNDS); Sudden unexpected nocturnal death syndrome. Identifiers: Orphanet 130, MedGen C1142166, MONDO:0015263.
Cardiovascular phenotype. Identifiers: MedGen CN230736.

Allele frequency attached by ClinVar (database versions not stated): gnomAD 0.00001; ExAC 0.00002; gnomAD exomes 0.00002 and 0.00004; TOPMed 0.00002.
gnomAD v4.1: 28 of 1,613,912 alleles (0.0017%); highest among the groups gnomAD compares: Admixed American, 0.0033%; no homozygotes.

Submissions (3):

Ambry Genetics
Classification: Uncertain significance for Cardiovascular phenotype. Last evaluated: 2024-11-18. Review status: criteria provided, single submitter. Criteria: Ambry Variant Classification Scheme 2023. Collection method: clinical testing. Allele origin: germline.
Comment: The p.A115V variant (also known as c.344C>T), located in coding exon 3 of the GPD1L gene, results from a C to T substitution at nucleotide position 344. The alanine at codon 115 is replaced by valine, an amino acid with similar properties. This amino acid position is well conserved in available vertebrate species. In addition, the in silico prediction for this alteration is inconclusive. Since supporting evidence is limited at this time, the clinical significance of this alteration remains unclear.

Women's Health and Genetics/Laboratory Corporation of America, LabCorp
Classification: Likely benign. Last evaluated: 2024-04-29. Review status: criteria provided, single submitter. Criteria: LabCorp Variant Classification Summary - May 2015. Collection method: clinical testing. Allele origin: germline.

Labcorp Genetics (formerly Invitae), Labcorp
Classification: Uncertain significance for Brugada syndrome. Last evaluated: 2022-10-05. Review status: criteria provided, single submitter. Criteria: Invitae Variant Classification Sherloc (09022015). Collection method: clinical testing. Allele origin: germline.
Comment: In summary, the available evidence is currently insufficient to determine the role of this variant in disease. Therefore, it has been classified as a Variant of Uncertain Significance. Advanced modeling of protein sequence and biophysical properties (such as structural, functional, and spatial information, amino acid conservation, physicochemical variation, residue mobility, and thermodynamic stability) performed at Invitae indicates that this missense variant is not expected to disrupt GPD1L protein function. ClinVar contains an entry for this variant (Variation ID: 1005323). This variant has not been reported in the literature in individuals affected with GPD1L-related conditions. This variant is present in population databases (rs765497074, gnomAD 0.006%). This sequence change replaces alanine, which is neutral and non-polar, with valine, which is neutral and non-polar, at codon 115 of the GPD1L protein (p.Ala115Val).